The following is an entry in ClinVar:

ClinVar aggregate classification (germline): Likely benign. Review status: criteria provided, single submitter (1 of 4 stars). 2 submissions from 2 submitters: Likely benign (1). 1 of the submissions does not count toward it. Last evaluated 2024-11-05.

Conditions:
NCF2-related disorder. Also called: NCF2-related condition.
Granulomatous disease, chronic, autosomal recessive, cytochrome b-positive, type 2. Also called: GRANULOMATOUS DISEASE, CHRONIC, AUTOSOMAL RECESSIVE, 2; Chronic granulomatous disease due to deficiency of NCF-2; Chronic Granulomatous Disease, Autosomal Recessive, Cytochrome b-Positive, Type II; CGD, AUTOSOMAL RECESSIVE CYTOCHROME b-POSITIVE, TYPE II; GRANULOMATOUS DISEASE, CHRONIC, DUE TO NCF2 DEFICIENCY. Identifiers: Orphanet 379, MedGen C1856245, MONDO:0009310, OMIM 233710.

Allele frequency attached by ClinVar (database versions not stated): gnomAD 0.00001; ExAC 0.00002; gnomAD exomes 0.00002.
gnomAD v4.1: 24 of 1,614,068 alleles (0.0015%); highest among the groups gnomAD compares: South Asian, 0.0088%; 1 homozygote.

Submissions (2):

Labcorp Genetics (formerly Invitae), Labcorp
Classification: Likely benign for Granulomatous disease, chronic, autosomal recessive, cytochrome b-positive, type 2. Last evaluated: 2024-11-05. Review status: criteria provided, single submitter. Criteria: Invitae Variant Classification Sherloc (09022015). Collection method: clinical testing. Allele origin: germline.

PreventionGenetics, part of Exact Sciences
Classification: Likely benign for NCF2-related condition. Last evaluated: 2023-10-17. Review status: no assertion criteria provided. Collection method: clinical testing. Allele origin: germline. Not counted in ClinVar's aggregate classification.
Comment: This variant is classified as likely benign based on ACMG/AMP sequence variant interpretation guidelines (Richards et al. 2015 PMID: 25741868, with internal and published modifications).

NM_000433.4(NCF2):c.477C>T (p.Ile159=)

Gene: NCF2 (neutrophil cytosolic factor 2; minus strand). Cytogenetic location: 1q25.3.
Variant type: single nucleotide variant.
Coding change: c.477C>T on transcript NM_000433.4 (MANE Select); coding-DNA position 477, C replaced by T.
Protein change: p.Ile159=; no amino-acid change (isoleucine 159 retained).
Molecular consequence: synonymous variant. On other transcripts: intron variant (2).
Genome position (GRCh38, 1-based): chr1:183,574,511, G>A on the plus strand (C>T on the coding strand, the complement: NCF2 is on the minus strand). VCF-style: chr1-183574511-G-A. GRCh37 (hg19) VCF-style: chr1-183543646-G-A.
Other names: c.477C>T, p.Ile159= (NM_001127651.3, NM_001410895.1); c.366+3088C>T (NM_001190789.2); c.367-1219C>T (NM_001190794.2).
Identifiers: ClinVar variation 2915209 (VCV002915209.5), dbSNP rs369845453, ClinGen allele CA1284966.
Genomic context (GRCh38, chr1:183,574,511, plus strand): 5'-ACATCCTCTCAACACCTGCATCACCAATACGCTTACCCAGACACACTCCATCGCCTTGTC[G>A]ATTTTGGAATGTCTGGGCTCAGACTTCATGCTCGTGGCCAATGCTAACTGTTCTTCAGCT-3'
Protein context (NP_000424.2, residues 149-169): SMKSEPRHSK[Ile159=]DKAMECVWKQ